The following is an entry in ClinVar:

ClinVar aggregate classification (germline): Conflicting classifications of pathogenicity. Review status: criteria provided, conflicting classifications (1 of 4 stars). 5 submissions from 5 submitters: Uncertain significance (1); Likely benign (4). Last evaluated 2025-12-03.

Conditions:
TTN-related disorder. Also called: TTN-related condition; TTN-related disease; TTN-related disorders.
Cardiovascular phenotype. Identifiers: MedGen CN230736.
Autosomal recessive limb-girdle muscular dystrophy type 2J (LGMDR10). Also called: Limb-girdle muscular dystrophy, type 2J; MUSCULAR DYSTROPHY, LIMB-GIRDLE, AUTOSOMAL RECESSIVE 10. Identifiers: Orphanet 140922, MedGen C1837342, MONDO:0012127, OMIM 608807.
Dilated cardiomyopathy 1G (CMD1G). Identifiers: Orphanet 154, MedGen C1858763, MONDO:0011400, OMIM 604145.

Allele frequency attached by ClinVar (database versions not stated): gnomAD exomes 0.00004 and 0.00009; gnomAD 0.00006 and 0.00007; ExAC 0.00007; ESP Exome Variant Server 0.00008; TOPMed 0.00009.
gnomAD v4.1: 63 of 1,613,788 alleles (0.0039%); highest among the groups gnomAD compares: South Asian, 0.045%; no homozygotes.

Submissions (5):

Labcorp Genetics (formerly Invitae), Labcorp
Classification: Likely benign for Dilated cardiomyopathy 1G; Autosomal recessive limb-girdle muscular dystrophy type 2J. Last evaluated: 2025-12-03. Review status: criteria provided, single submitter. Criteria: Invitae Variant Classification Sherloc (09022015). Collection method: clinical testing. Allele origin: germline.

PreventionGenetics, part of Exact Sciences
Classification: Likely benign for TTN-related condition. Last evaluated: 2025-11-13. Review status: criteria provided, single submitter. Criteria: ACMG Guidelines, 2015. Collection method: clinical testing. Allele origin: germline.
Comment: This variant is classified as likely benign based on ACMG/AMP sequence variant interpretation guidelines (Richards et al. 2015 PMID: 25741868, with internal and published modifications).

Women's Health and Genetics/Laboratory Corporation of America, LabCorp
Classification: Likely benign. Last evaluated: 2023-07-22. Review status: criteria provided, single submitter. Criteria: LabCorp Variant Classification Summary - May 2015. Collection method: clinical testing. Allele origin: germline.

Ambry Genetics
Classification: Likely benign for Cardiovascular phenotype. Last evaluated: 2021-07-30. Review status: criteria provided, single submitter. Criteria: Ambry Variant Classification Scheme 2023. Collection method: clinical testing. Allele origin: germline.

Eurofins Ntd Llc (ga)
Classification: Uncertain significance. Last evaluated: 2017-05-04. Review status: criteria provided, single submitter. Criteria: EGL Classification Definitions 2015. Collection method: clinical testing. Allele origin: germline. Observed: 1 variant allele, 1 heterozygote.

NM_001267550.2(TTN):c.102540T>C (p.Ser34180=)

Genes: TTN (titin; minus strand), TTN-AS1 (TTN antisense RNA 1; plus strand). Cytogenetic location: 2q31.2.
Variant type: single nucleotide variant.
Coding change: c.102540T>C on transcript NM_001267550.2 (MANE Select); coding-DNA position 102540, T replaced by C.
Protein change: p.Ser34180=; no amino-acid change (serine 34180 retained).
Molecular consequence: synonymous variant.
Genome position (GRCh38, 1-based): chr2:178,534,075, A>G on the plus strand (T>C on the coding strand, the complement: TTN is on the minus strand). VCF-style: chr2-178534075-A-G. GRCh37 (hg19) VCF-style: chr2-179398802-A-G.
Other names: c.97617T>C, p.Ser32539= (NM_001256850.1); c.75345T>C, p.Ser25115= (NM_003319.4); c.94836T>C, p.Ser31612= (NM_133378.4); c.75720T>C, p.Ser25240= (NM_133432.3); c.75921T>C, p.Ser25307= (NM_133437.4).
Identifiers: ClinVar variation 501789 (VCV000501789.19), dbSNP rs368844570, ClinGen allele CA1985739.